The following is an entry in ClinVar:

NM_001009944.3(PKD1):c.11254G>A (p.Val3752Met)

Genes: PKD1 (polycystin 1, transient receptor potential channel interacting; minus strand), PKD1-AS1 (PKD1 antisense RNA 1; plus strand). Cytogenetic location: 16p13.3.
Variant type: single nucleotide variant.
Coding change: c.11254G>A on transcript NM_001009944.3 (MANE Select); coding-DNA position 11254, G replaced by A.
Protein change: p.Val3752Met; replaces valine 3752 with methionine.
Molecular consequence: missense variant.
Genome position (GRCh38, 1-based): chr16:2,092,495, C>T on the plus strand (G>A on the coding strand, the complement: PKD1 is on the minus strand). VCF-style: chr16-2092495-C-T. GRCh37 (hg19) VCF-style: chr16-2142496-C-T.
Other names: c.11251G>A, p.Val3751Met (NM_000296.4); short protein forms V3752M, V3751M.
Identifiers: ClinVar variation 2315175 (VCV002315175.3), dbSNP rs757901097, ClinGen allele CA394336148.

ClinVar aggregate classification (germline): Uncertain significance. Review status: criteria provided, multiple submitters, no conflicts (2 of 4 stars). 2 submissions from 2 submitters: Uncertain significance (2). Last evaluated 2026-05-26.

Conditions:
PKD1-related disorder. Also called: PKD1-related condition.
Inborn genetic diseases. Identifiers: MedGen C0950123, MeSH D030342.

Allele frequency attached by ClinVar (database versions not stated): gnomAD 0.00001; TOPMed 0.00001.
gnomAD v4.1: 3 of 1,608,860 alleles (0.00019%); highest among the groups gnomAD compares: Non-Finnish European, 0.00025%; no homozygotes.

Submissions (2):

PreventionGenetics, part of Exact Sciences
Classification: Uncertain significance for PKD1-related condition. Last evaluated: 2026-05-26. Review status: criteria provided, single submitter. Criteria: ACMG Guidelines, 2015. Collection method: clinical testing. Allele origin: germline.
Comment: The PKD1 c.11254G>A variant is predicted to result in the amino acid substitution p.Val3752Met. To our knowledge, this variant has not been reported in the literature or in a large population database (gnomAD), indicating this variant is rare. At this time, the clinical significance of this variant is uncertain due to the absence of conclusive functional and genetic evidence.

Ambry Genetics
Classification: Uncertain significance for Inborn genetic diseases. Last evaluated: 2022-10-03. Review status: criteria provided, single submitter. Criteria: Ambry Variant Classification Scheme 2023. Collection method: clinical testing. Allele origin: germline.